The following is an entry in ClinVar:

ClinVar aggregate classification (germline): Benign (0 of 4 stars; one submission).

Conditions:
MUC16-related disorder. Also called: MUC16-related condition.

Submission:

PreventionGenetics, part of Exact Sciences
Classification: Benign for MUC16-related condition. Last evaluated: 2019-02-19. Review status: no assertion criteria provided. Collection method: clinical testing. Allele origin: germline.
Comment: This variant is classified as benign based on ACMG/AMP sequence variant interpretation guidelines (Richards et al. 2015 PMID: 25741868, with internal and published modifications).

NM_001401501.2(MUC16):c.41237-16TCTCCC[3]

Gene: MUC16 (mucin 16, cell surface associated; minus strand). Cytogenetic location: 19p13.2.
Variant type: Microsatellite.
Coding change: c.41237-16TCTCCC[3] on transcript NM_001401501.2 (MANE Select); three copies in a row of the 6-base unit TCTCCC starting at c.41237-16; the reference has two copies in a row; one copy, 6 bases duplicated.
Molecular consequence: intron variant.
Genome position (GRCh38, 1-based): chr19:8,886,514-8,886,519, GGGAGA duplicated on the plus strand (TCTCCC on the coding strand, the reverse complement: MUC16 is on the minus strand); duplicating any 6 consecutive bases within chr19:8,886,514-8,886,530 gives the same sequence; the position shown is the placement nearest the transcript's 3' end. VCF-style (leftmost placement, unchanged base first): chr19-8886513-T-TGGGAGA. GRCh37 (hg19) VCF-style: chr19-8997189-T-TGGGAGA.
Other names: c.41663-16TCTCCC[3] (NM_001414686.1); c.41117-16TCTCCC[3] (NM_001414687.1); c.41011-16TCTCCC[3] (NM_024690.2); c.41011-10_41011-5dup6 (NM_024690.2).
Identifiers: ClinVar variation 3060748 (VCV003060748.2), dbSNP rs111427194, ClinGen allele CA9163004.